The following is an entry in ClinVar:

ClinVar aggregate classification (germline): Conflicting classifications of pathogenicity. Review status: criteria provided, conflicting classifications (1 of 4 stars). 4 submissions from 4 submitters: Uncertain significance (3); Likely benign (1). Last evaluated 2025-10-15.

Conditions:
FGFR3-related disorder. Also called: FGFR3-related disorders.

Allele frequency attached by ClinVar (database versions not stated): gnomAD 0.00006 and 0.00008; ESP Exome Variant Server 0.00008; gnomAD exomes 0.00009 and 0.00015; TOPMed 0.00009; ExAC 0.00020; 1000 Genomes Project 30x 0.00047; 1000 Genomes Project 0.00060.
gnomAD v4.1: 139 of 1,612,000 alleles (0.0086%); highest among the groups gnomAD compares: East Asian, 0.038%; no homozygotes.

Submissions (4):

PreventionGenetics, part of Exact Sciences
Classification: Uncertain significance for FGFR3-related condition. Last evaluated: 2025-10-15. Review status: criteria provided, single submitter. Criteria: ACMG Guidelines, 2015. Collection method: clinical testing. Allele origin: germline.
Comment: The FGFR3 c.1513G>A variant is predicted to result in the amino acid substitution p.Val505Ile. To our knowledge, this variant has not been reported in the literature. This variant is reported in 0.091% of alleles in individuals of East Asian descent in gnomAD. Although we suspect that this variant may be benign, at this time, the clinical significance of this variant is uncertain due to the absence of conclusive functional and genetic evidence.

Women's Health and Genetics/Laboratory Corporation of America, LabCorp
Classification: Uncertain significance. Last evaluated: 2025-03-31. Review status: criteria provided, single submitter. Criteria: LabCorp Variant Classification Summary - May 2015. Collection method: clinical testing. Allele origin: germline.
Comment: Variant summary: FGFR3 c.1513G>A (p.Val505Ile) results in a conservative amino acid change in the encoded protein sequence. Four of five in-silico tools predict a damaging effect of the variant on protein function. The variant allele was found at a frequency of 0.00015 in 248134 control chromosomes. This frequency is not significantly higher than estimated for a pathogenic variant in FGFR3 causing Achondroplasia, allowing no conclusion about variant significance. To our knowledge, no occurrence of c.1513G>A in individuals affected with Achondroplasia and no experimental evidence demonstrating its impact on protein function have been reported. ClinVar contains an entry for this variant (Variation ID: 719200). Based on the evidence outlined above, the variant was classified as uncertain significance.

Labcorp Genetics (formerly Invitae), Labcorp
Classification: Likely benign. Last evaluated: 2025-03-04. Review status: criteria provided, single submitter. Criteria: Invitae Variant Classification Sherloc (09022015). Collection method: clinical testing. Allele origin: germline.

CeGaT Center for Human Genetics Tuebingen
Classification: Uncertain significance. Last evaluated: 2021-08-01. Review status: criteria provided, single submitter. Criteria: CeGaT Center For Human Genetics Tuebingen Variant Classification Criteria Version 2. Collection method: clinical testing. Allele origin: germline. Affected: yes. Observed: 1 variant allele.

NM_000142.5(FGFR3):c.1513G>A (p.Val505Ile)

Gene: FGFR3 (fibroblast growth factor receptor 3; plus strand). Cytogenetic location: 4p16.3.
Variant type: single nucleotide variant.
Coding change: c.1513G>A on transcript NM_000142.5 (MANE Select); coding-DNA position 1513, G replaced by A.
Protein change: p.Val505Ile; replaces valine 505 with isoleucine.
Molecular consequence: missense variant. On other transcripts: non-coding transcript variant (1).
Genome position (GRCh38, 1-based): chr4:1,805,455, G>A. VCF-style: chr4-1805455-G-A. GRCh37 (hg19) VCF-style: chr4-1807182-G-A.
Other names: c.1519G>A, p.Val507Ile (NM_001163213.2); c.1516G>A, p.Val506Ile (NM_001354809.2, NM_001354810.2); c.1177G>A, p.Val393Ile (NM_022965.4); short protein forms V506I, V505I, V507I, V393I.
Identifiers: ClinVar variation 719200 (VCV000719200.45), dbSNP rs144546453, ClinGen allele CA2810420.